The following is an entry in ClinVar:

ClinVar aggregate classification (germline): Pathogenic/Likely pathogenic. Review status: criteria provided, multiple submitters, no conflicts (2 of 4 stars). 2 submissions from 2 submitters: Pathogenic (1); Likely pathogenic (1). Last evaluated 2026-01-18.

Conditions:
Alstrom syndrome (ALMS). Identifiers: Orphanet 64, MedGen C0268425, MONDO:0008763, OMIM 203800.

Submissions (2):

Natera, Inc.
Classification: Likely pathogenic for Alstrom syndrome. Last evaluated: 2026-01-18. Review status: criteria provided, single submitter. Criteria: Natera Variant Classification Schema (03/2026). Collection method: clinical testing. Allele origin: germline.
Comment: The c.3957_3958del variant in ALMS1 is a frameshift variant predicted to shift the reading frame beginning at codon 1320 and leads to a stop codon 2 codons downstream. This variant is expected to result in nonsense mediated decay, truncation, or a dysfunctional protein product. This variant is rare in the general population with a frequency below the threshold expected for the associated phenotype(s). Given the available evidence, this variant is classified as Likely Pathogenic.

Labcorp Genetics (formerly Invitae), Labcorp
Classification: Pathogenic for Alstrom syndrome. Last evaluated: 2025-12-08. Review status: criteria provided, single submitter. Criteria: Invitae Variant Classification Sherloc (09022015). Collection method: clinical testing. Allele origin: germline.
Comment: This sequence change creates a premature translational stop signal (p.Pro1320Serfs*2) in the ALMS1 gene. It is expected to result in an absent or disrupted protein product. Loss-of-function variants in ALMS1 are known to be pathogenic (PMID: 17594715). This variant is not present in population databases (gnomAD no frequency). This variant has not been reported in the literature in individuals affected with ALMS1-related conditions. ClinVar contains an entry for this variant (Variation ID: 1352942). For these reasons, this variant has been classified as Pathogenic.

Literature cited by the submitters: PubMed 17594715 (cited by Labcorp Genetics (formerly Invitae), Labcorp).

NM_001378454.1(ALMS1):c.3954_3955del (p.Pro1319fs)

Gene: ALMS1 (ALMS1 centrosome and basal body associated protein; plus strand). Cytogenetic location: 2p13.1.
Variant type: Deletion.
Coding change: c.3954_3955del on transcript NM_001378454.1 (MANE Select); coding-DNA positions 3954 to 3955, 2 bases deleted (AC; older notation c.3954_3955delAC).
Protein change: p.Pro1319fs; shifts the reading frame from proline 1319.
Molecular consequence: frameshift variant.
Genome position (GRCh38, 1-based): chr2:73,450,481-73,450,482, AC deleted. VCF-style (leftmost placement, unchanged base first): chr2-73450480-GAC-G. GRCh37 (hg19) VCF-style: chr2-73677607-GAC-G.
Other names: c.3957_3958del, p.Pro1320fs (NM_015120.4); short protein forms P1320fs, P1319fs.
Identifiers: ClinVar variation 1352942 (VCV001352942.8), dbSNP rs2103780806, ClinGen allele CA2573135773.